The following is an entry in ClinVar:

ClinVar aggregate classification (germline): Uncertain significance (1 of 4 stars; one submission).

Conditions:
Singleton-Merten syndrome 1 (SGMRT1). Also called: Widened medullary cavities of bone, aortic calcification, abnormal dentition, and muscular weakness; Syndrome of widened medullary cavities of the metacarpals and phalanges, aortic calcification and abnormal dentition. Identifiers: Orphanet 85191, MedGen C4225427, MONDO:0024535, OMIM 182250.
Aicardi-Goutieres syndrome 7 (AGS7). Identifiers: Orphanet 51, MedGen C3888244, MONDO:0014367, OMIM 615846.

Submission:

Labcorp Genetics (formerly Invitae), Labcorp
Classification: Uncertain significance for Aicardi-Goutieres syndrome 7; Singleton-Merten syndrome 1. Last evaluated: 2024-09-10. Review status: criteria provided, single submitter. Criteria: Invitae Variant Classification Sherloc (09022015). Collection method: clinical testing. Allele origin: germline.
Comment: This sequence change creates a premature translational stop signal (p.Lys519*) in the IFIH1 gene. It is expected to result in an absent or disrupted protein product. However, the current clinical and genetic evidence is not sufficient to establish whether loss-of-function variants in IFIH1 cause disease. This variant is present in population databases (no rsID available, gnomAD 0.01%). This variant has not been reported in the literature in individuals affected with IFIH1-related conditions. In summary, the available evidence is currently insufficient to determine the role of this variant in disease. Therefore, it has been classified as a Variant of Uncertain Significance.

NM_022168.4(IFIH1):c.1555A>T (p.Lys519Ter)

Gene: IFIH1 (interferon induced with helicase C domain 1; minus strand). Cytogenetic location: 2q24.2.
Variant type: single nucleotide variant.
Coding change: c.1555A>T on transcript NM_022168.4 (MANE Select); coding-DNA position 1555, A replaced by T.
Protein change: p.Lys519Ter; replaces lysine 519 with a stop codon.
Molecular consequence: nonsense.
Genome position (GRCh38, 1-based): chr2:162,280,082, T>A on the plus strand (A>T on the coding strand, the complement: IFIH1 is on the minus strand). VCF-style: chr2-162280082-T-A. GRCh37 (hg19) VCF-style: chr2-163136592-T-A.
Other names: short protein forms K519*.
Identifiers: ClinVar variation 3758536 (VCV003758536.2).